The following is an entry in ClinVar:

NM_032581.4(HYCC1):c.831+6T>C

Gene: HYCC1 (hyccin PI4KA lipid kinase complex subunit 1; minus strand). Cytogenetic location: 7p15.3.
Variant type: single nucleotide variant.
Coding change: c.831+6T>C on transcript NM_032581.4 (MANE Select); 6 bases into the intron after coding-DNA position 831, T replaced by C.
Molecular consequence: intron variant.
Genome position (GRCh38, 1-based): chr7:22,961,229, A>G on the plus strand (T>C on the coding strand, the complement: HYCC1 is on the minus strand). VCF-style: chr7-22961229-A-G. GRCh37 (hg19) VCF-style: chr7-23000848-A-G.
Other names: c.831+6T>C (NM_001363467.2, NM_001363466.2).
Identifiers: ClinVar variation 1199228 (VCV001199228.4), dbSNP rs1583534744, ClinGen allele CA2499218857.

ClinVar aggregate classification (germline): Uncertain significance (1 of 4 stars; one submission).

Conditions:
Hypomyelination and Congenital Cataract (HLD5). Also called: hypomyelinating leukodystrophy 5. Identifiers: Orphanet 85163, MedGen C1864663, MONDO:0012514, OMIM 610532.

Submission:

Illumina Laboratory Services, Illumina
Classification: Uncertain significance for Hypomyelination and Congenital Cataract. Last evaluated: 2020-12-22. Review status: criteria provided, single submitter. Criteria: ICSLVariantClassificationCriteria RUGD 01 April 2020. Collection method: clinical testing. Allele origin: unknown.
Comment: The FAM126A c.831+6T>C variant is a splice region variant. A literature search was performed for the gene and cDNA change. No publications were found based on this search. This variant is not found in the Genome Aggregation Database in a region of good sequence coverage, so the variant is presumed to be rare. Based on its rarity and identification in trans with a likely pathogenic variant, the c.831+6T>C variant is classified as a variant of uncertain significance for hypomyelination and congenital cataract.